The following is an entry in ClinVar:

ClinVar aggregate classification (germline): Uncertain significance (1 of 4 stars; one submission).

Conditions:
Hypertrophic cardiomyopathy. Also called: HYPERTROPHIC MYOCARDIOPATHY. Identifiers: Orphanet 217569, MedGen C0007194, MeSH D002312, MONDO:0005045, HP:0001639.

Allele frequency attached by ClinVar (database versions not stated): gnomAD exomes below 0.00001 and 0.00001.
gnomAD v4.1: 8 of 1,614,130 alleles (0.0005%); highest among the groups gnomAD compares: Non-Finnish European, 0.00068%; no homozygotes.

Submission:

Victorian Clinical Genetics Services, Murdoch Childrens Research Institute
Classification: Uncertain significance for Hypertrophic cardiomyopathy. Last evaluated: 2023-07-17. Review status: criteria provided, single submitter. Criteria: ACMG Guidelines, 2015. Collection method: clinical testing. Allele origin: germline. Inheritance: Autosomal recessive inheritance. Affected: yes.
Comment: Based on the classification scheme VCGS_Germline_v1.3.4, this variant is classified as VUS-3B. Following criteria are met: 0102 - Loss of function is a likely mechanism of disease in this gene and is associated with hypertrophic cardiomyopathy (HCM) (PMID: 32451364). (I) 0106 - This gene is associated with autosomal recessive disease. (I) 0200 - Variant is predicted to result in a missense amino acid change from serine to proline. (I) 0251 - This variant is heterozygous. (I) 0304 - Variant is present in gnomAD <0.01 for a recessive condition (v2: 1 heterozygote, 0 homozygotes). (SP) 0502 - Missense variant with conflicting in silico predictions and high conservation. (I) 0600 - Variant is located in the annotated Zf-B_box (DECIPHER). (I) 0705 - No comparable missense variants have previous evidence for pathogenicity. (I) 0807 - This variant has no previous evidence of pathogenicity. (I) 0905 - No published segregation evidence has been identified for this variant. (I) 1007 - No published functional evidence has been identified for this variant. (I) 1208 - Inheritance information for this variant is not currently available in this individual. (I) Legend: (SP) - Supporting pathogenic, (I) - Information, (SB) - Supporting benign

Literature cited by the submitters: PubMed 32451364.

NM_032588.4(TRIM63):c.427T>C (p.Ser143Pro)

Gene: TRIM63 (tripartite motif containing 63; minus strand). Cytogenetic location: 1p36.11.
Variant type: single nucleotide variant.
Coding change: c.427T>C on transcript NM_032588.4 (MANE Select); coding-DNA position 427, T replaced by C.
Protein change: p.Ser143Pro; replaces serine 143 with proline.
Molecular consequence: missense variant.
Genome position (GRCh38, 1-based): chr1:26,061,240, A>G on the plus strand (T>C on the coding strand, the complement: TRIM63 is on the minus strand). VCF-style: chr1-26061240-A-G. GRCh37 (hg19) VCF-style: chr1-26387731-A-G.
Other names: short protein forms S143P.
Identifiers: ClinVar variation 1699157 (VCV001699157.3), dbSNP rs1359846866, ClinGen allele CA339110671.